The following is an entry in ClinVar:

ClinVar aggregate classification (germline): Likely pathogenic (1 of 4 stars; one submission).

Conditions:
Autosomal recessive ataxia due to ubiquinone deficiency. Also called: SPINOCEREBELLAR ATAXIA, AUTOSOMAL RECESSIVE 9; Coenzyme Q10 deficiency, primary, 4. Identifiers: Orphanet 139485, MedGen C2677589, MONDO:0012784, OMIM 612016.

Submission:

Broad Center for Mendelian Genomics, Broad Institute of MIT and Harvard
Classification: Likely pathogenic for Autosomal recessive ataxia due to ubiquinone deficiency. Last evaluated: 2023-01-25. Review status: criteria provided, single submitter. Criteria: ACMG Guidelines, 2015. Collection method: curation. Allele origin: germline. Inheritance: Autosomal recessive inheritance.
Comment: The heterozygous p.Met613ThrfsTer112 variant in COQ8A was identified by our study, in the compound heterozygous state along with a variant of uncertain significance (dbSNP ID: rs760655614), in two siblings with primary coenzyme Q10 deficiency (Broad Institute Rare Genomes Project). The p.Met613ThrfsTer112 variant in COQ8A has not been previously reported in individuals with primary coenzyme Q10 deficiency 4. This variant was absent in large population studies. This variant is predicted to cause a frameshift, which alters the protein‚Äôs amino acid sequence beginning at position 613 and leads to a premature termination codon 112 amino acids downstream. This termination codon occurs within the last exon and is more likely to escape nonsense mediated decay (NMD) and result in a truncated protein. Loss of function of the COQ8A gene is an established disease mechanism in autosomal recessive primary coenzyme Q10 deficiency 4. In summary, although additional studies are required to fully establish its clinical significance, this variant is likely pathogenic for autosomal recessive primary coenzyme Q10 deficiency. ACMG/AMP Criteria applied: PVS1_Strong, PM2_Supporting, PP1 (Richards 2015).

NM_020247.5(COQ8A):c.1838_1851del (p.Met613fs)

Gene: COQ8A (coenzyme Q8A; plus strand). Cytogenetic location: 1q42.13.
Variant type: Deletion.
Coding change: c.1838_1851del on transcript NM_020247.5 (MANE Select); coding-DNA positions 1838 to 1851, 14 bases deleted (TGGGGGGCTCCTTC).
Protein change: p.Met613fs; shifts the reading frame from methionine 613.
Molecular consequence: frameshift variant.
Genome position (GRCh38, 1-based): chr1:226,986,631-226,986,644, TGGGGGGCTCCTTC deleted. VCF-style (leftmost placement, unchanged base first): chr1-226986630-ATGGGGGGCTCCTTC-A. GRCh37 (hg19) VCF-style: chr1-227174331-ATGGGGGGCTCCTTC-A.
Other names: NM_020247.5:c.1838_1851del; short protein forms M613fs.
Identifiers: ClinVar variation 2412698 (VCV002412698.2), dbSNP rs2528412973, ClinGen allele CA2573332360.